The following is an entry in ClinVar:

NM_002076.4(GNS):c.252+23T>C

Gene: GNS (glucosamine (N-acetyl)-6-sulfatase; minus strand). Cytogenetic location: 12q14.3.
Variant type: single nucleotide variant.
Coding change: c.252+23T>C on transcript NM_002076.4 (MANE Select); 23 bases into the intron after coding-DNA position 252, T replaced by C.
Molecular consequence: intron variant.
Genome position (GRCh38, 1-based): chr12:64,752,675, A>G on the plus strand (T>C on the coding strand, the complement: GNS is on the minus strand). VCF-style: chr12-64752675-A-G. GRCh37 (hg19) VCF-style: chr12-65146455-A-G.
Other names: p.?.
Identifiers: ClinVar variation 4683765 (VCV004683765.1).

ClinVar aggregate classification (germline): Likely benign (1 of 4 stars; one submission).

gnomAD v4.1: 1,255 of 1,229,836 alleles (0.1%); highest among the groups gnomAD compares: Non-Finnish European, 0.023%; 22 homozygotes.

Submission:

Mayo Clinic Laboratories, Mayo Clinic
Classification: Likely benign. Last evaluated: 2025-05-06. Review status: criteria provided, single submitter. Criteria: ACMG Guidelines, 2015. Collection method: clinical testing. Allele origin: germline. Observed: 1 variant allele.
Comment: BS1, BS2, BP4, BP7